The following is an entry in ClinVar:

NM_012275.3(IL36RN):c.*1987G>A

Gene: IL36RN (interleukin 36 receptor antagonist; plus strand). Cytogenetic location: 2q14.1.
Variant type: single nucleotide variant.
Coding change: c.*1987G>A on transcript NM_012275.3 (MANE Select); 1987 bases downstream of the stop codon, G replaced by A.
Molecular consequence: 3 prime UTR variant.
Genome position (GRCh38, 1-based): chr2:113,064,664, G>A. VCF-style: chr2-113064664-G-A. GRCh37 (hg19) VCF-style: chr2-113822241-G-A.
Other names: c.*1987G>A (NM_173170.1).
Identifiers: ClinVar variation 330815 (VCV000330815.6), dbSNP rs996879, ClinGen allele CA10611041.

ClinVar aggregate classification (germline): Benign. Review status: criteria provided, multiple submitters, no conflicts (2 of 4 stars). 2 submissions from 2 submitters: Benign (2). Last evaluated 2018-01-12.

Conditions:
Generalized pustular psoriasis. Identifiers: Orphanet 247353, MedGen C0343055, MONDO:0100491.

Allele frequency attached by ClinVar (database versions not stated): 1000 Genomes Project 0.16134; gnomAD 0.16499 and 0.17155; 1000 Genomes Project 30x 0.16880; TOPMed 0.18393.

Submissions (2):

Illumina Laboratory Services, Illumina
Classification: Benign for Acrodermatitis continua suppurativa of Hallopeau. Last evaluated: 2018-01-12. Review status: criteria provided, single submitter. Criteria: ICSL Variant Classification Criteria 13 December 2019. Collection method: clinical testing. Allele origin: germline.
Comment: This variant was observed in the ICSL laboratory as part of a predisposition screen in an ostensibly healthy population. It had not been previously curated by ICSL or reported in the Human Gene Mutation Database (HGMD: prior to June 1st, 2018), and was therefore a candidate for classification through an automated scoring system. Utilizing variant allele frequency, disease prevalence and penetrance estimates, and inheritance mode, an automated score was calculated to assess if this variant is too frequent to cause the disease. Based on the score and internal cut-off values, a variant classified as benign is not then subjected to further curation. The score for this variant resulted in a classification of benign for this disease.

Breakthrough Genomics
Classification: Benign. Review status: criteria provided, single submitter. Criteria: ACMG Guidelines, 2015. Collection method: not provided. Allele origin: germline. Inheritance: Autosomal recessive inheritance. Affected: yes.